The following is an entry in ClinVar:

ClinVar aggregate classification (germline): Likely benign (0 of 4 stars; one submission).

Conditions:
TRPC5-related disorder. Also called: TRPC5-related condition.

gnomAD v4.1: 13 of 1,189,812 alleles (0.0011%); highest among the groups gnomAD compares: Admixed American, 0.028%; no homozygotes.

Submission:

PreventionGenetics, part of Exact Sciences
Classification: Likely benign for TRPC5-related condition. Last evaluated: 2021-10-05. Review status: no assertion criteria provided. Collection method: clinical testing. Allele origin: germline.
Comment: This variant is classified as likely benign based on ACMG/AMP sequence variant interpretation guidelines (Richards et al. 2015 PMID: 25741868, with internal and published modifications).

NM_012471.3(TRPC5):c.1897-3T>C

Gene: TRPC5 (transient receptor potential cation channel subfamily C member 5; minus strand). Cytogenetic location: Xq23.
Variant type: single nucleotide variant.
Coding change: c.1897-3T>C on transcript NM_012471.3 (MANE Select); 3 bases into the intron before coding-DNA position 1897, T replaced by C.
Molecular consequence: intron variant.
Genome position (GRCh38, 1-based): chrX:111,782,141, A>G on the plus strand (T>C on the coding strand, the complement: TRPC5 is on the minus strand). VCF-style: chrX-111782141-A-G. GRCh37 (hg19) VCF-style: chrX-111025369-A-G.
Identifiers: ClinVar variation 3350523 (VCV003350523.1).
Genomic context (GRCh38, chrX:111,782,141, plus strand): 5'-CAAAGTAACTCATCCAGAGCTTCGTCCTTGCAAACTTCCACTCGATATCAGCATGATCCT[A>G]TGAAAGATAATGAAGTTCAAGGATTTGGGATGGGAAACTGCACGATGTACTCACTTCTTA-3'